The following is an entry in ClinVar:

NM_000085.5(CLCNKB):c.824T>C (p.Val275Ala)

Genes: CLCNKB (chloride voltage-gated channel Kb; plus strand), LOC106501713 (CLCNKB recombination region; plus strand). Cytogenetic location: 1p36.13.
Variant type: single nucleotide variant.
Coding change: c.824T>C on transcript NM_000085.5 (MANE Select); coding-DNA position 824, T replaced by C.
Protein change: p.Val275Ala; replaces valine 275 with alanine.
Molecular consequence: missense variant.
Genome position (GRCh38, 1-based): chr1:16,049,660, T>C. VCF-style: chr1-16049660-T-C. GRCh37 (hg19) VCF-style: chr1-16376155-T-C.
Other names: c.317T>C, p.Val106Ala (NM_001165945.2); short protein forms V106A, V275A.
Identifiers: ClinVar variation 1715150 (VCV001715150.5), dbSNP rs2524382865, ClinGen allele CA338637848.

ClinVar aggregate classification (germline): Uncertain significance (1 of 4 stars; one submission).

Submission:

Labcorp Genetics (formerly Invitae), Labcorp
Classification: Uncertain significance. Last evaluated: 2022-08-05. Review status: criteria provided, single submitter. Criteria: Invitae Variant Classification Sherloc (09022015). Collection method: clinical testing. Allele origin: germline.
Comment: In summary, the available evidence is currently insufficient to determine the role of this variant in disease. Therefore, it has been classified as a Variant of Uncertain Significance. Algorithms developed to predict the effect of missense changes on protein structure and function (SIFT, PolyPhen-2, Align-GVGD) all suggest that this variant is likely to be tolerated. This variant has not been reported in the literature in individuals affected with CLCNKB-related conditions. This variant is not present in population databases (gnomAD no frequency). This sequence change replaces valine, which is neutral and non-polar, with alanine, which is neutral and non-polar, at codon 275 of the CLCNKB protein (p.Val275Ala).